The following is an entry in ClinVar:

ClinVar aggregate classification (germline): Uncertain significance. Review status: criteria provided, multiple submitters, no conflicts (2 of 4 stars). 2 submissions from 2 submitters: Uncertain significance (2). Last evaluated 2024-02-13.

Conditions:
Hereditary cancer-predisposing syndrome. Also called: Hereditary neoplastic syndrome; Tumor predisposition; Hereditary Cancer Syndrome; Neoplastic Syndromes, Hereditary. Identifiers: Orphanet 140162, MedGen C0027672, MeSH D009386, MONDO:0015356.

gnomAD v4.1: 2 of 1,614,174 alleles (0.00012%); highest among the groups gnomAD compares: East Asian, 0.0022%; no homozygotes.

Submissions (2):

Quest Diagnostics Nichols Institute San Juan Capistrano
Classification: Uncertain significance. Last evaluated: 2024-02-13. Review status: criteria provided, single submitter. Criteria: Quest Diagnostics criteria. Collection method: clinical testing. Allele origin: unknown.
Comment: The BLM c.341C>T (p.Thr114Ile) variant has not been reported in individuals with BLM-related conditions in the published literature. The frequency of this variant in the general population, 0.000008 (2/251278 chromosomes (Genome Aggregation Database)), is uninformative in the assessment of its pathogenicity. Analysis of this variant using bioinformatics tools for the prediction of the effect of amino acid changes on protein structure and function yielded predictions that this variant is benign. Based on the available information, we are unable to determine the clinical significance of this variant.

Ambry Genetics
Classification: Uncertain significance for Hereditary cancer-predisposing syndrome. Last evaluated: 2023-06-17. Review status: criteria provided, single submitter. Criteria: Ambry Variant Classification Scheme 2023. Collection method: clinical testing. Allele origin: germline.
Comment: The p.T114I variant (also known as c.341C>T), located in coding exon 2 of the BLM gene, results from a C to T substitution at nucleotide position 341. The threonine at codon 114 is replaced by isoleucine, an amino acid with similar properties. This amino acid position is conserved. In addition, this alteration is predicted to be tolerated by in silico analysis. Since supporting evidence is limited at this time, the clinical significance of this alteration remains unclear.

NM_000057.4(BLM):c.341C>T (p.Thr114Ile)

Gene: BLM (BLM RecQ like helicase; plus strand). Cytogenetic location: 15q26.1.
Variant type: single nucleotide variant.
Coding change: c.341C>T on transcript NM_000057.4 (MANE Select); coding-DNA position 341, C replaced by T.
Protein change: p.Thr114Ile; replaces threonine 114 with isoleucine.
Molecular consequence: missense variant. On other transcripts: 5 prime UTR variant (1).
Genome position (GRCh38, 1-based): chr15:90,749,609, C>T. VCF-style: chr15-90749609-C-T. GRCh37 (hg19) VCF-style: chr15-91292839-C-T.
Other names: c.341C>T, p.Thr114Ile (NM_001287246.2, NM_001287247.2); c.-951C>T (NM_001287248.2); c.341C>T (NM_000057.3); short protein forms T114I.
Identifiers: ClinVar variation 2586862 (VCV002586862.3), dbSNP rs1376113548, ClinGen allele CA393840346.